The following is an entry in ClinVar:

ClinVar aggregate classification (germline): Uncertain significance (1 of 4 stars; one submission).

Conditions:
Duchenne muscular dystrophy (DMD). Also called: MUSCULAR DYSTROPHY, PSEUDOHYPERTROPHIC PROGRESSIVE, DUCHENNE TYPE; Duchenne Muscular Dystrophy (DMD). Identifiers: Orphanet 98896, MedGen C0013264, MONDO:0010679, OMIM 310200.

gnomAD v4.1: 2 of 1,209,258 alleles (0.00017%); highest among the groups gnomAD compares: Non-Finnish European, 0.00022%; no homozygotes.

Submission:

Labcorp Genetics (formerly Invitae), Labcorp
Classification: Uncertain significance for Duchenne muscular dystrophy. Last evaluated: 2022-03-17. Review status: criteria provided, single submitter. Criteria: Invitae Variant Classification Sherloc (09022015). Collection method: clinical testing. Allele origin: germline.
Comment: This variant has not been reported in the literature in individuals affected with DMD-related conditions. In summary, the available evidence is currently insufficient to determine the role of this variant in disease. Therefore, it has been classified as a Variant of Uncertain Significance. Algorithms developed to predict the effect of missense changes on protein structure and function output the following: SIFT: "Tolerated"; PolyPhen-2: "Benign"; Align-GVGD: "Class C0". The phenylalanine amino acid residue is found in multiple mammalian species, which suggests that this missense change does not adversely affect protein function. This variant is present in population databases (no rsID available, gnomAD 0.009%). This sequence change replaces valine, which is neutral and non-polar, with phenylalanine, which is neutral and non-polar, at codon 83 of the DMD protein (p.Val83Phe).

NM_004006.3(DMD):c.247G>T (p.Val83Phe)

Gene: DMD (dystrophin; minus strand). Cytogenetic location: Xp21.1.
Variant type: single nucleotide variant.
Coding change: c.247G>T on transcript NM_004006.3 (MANE Select); coding-DNA position 247, G replaced by T.
Protein change: p.Val83Phe; replaces valine 83 with phenylalanine.
Molecular consequence: missense variant. On other transcripts: 5 prime UTR variant (1).
Genome position (GRCh38, 1-based): chrX:32,844,800, C>A on the plus strand (G>T on the coding strand, the complement: DMD is on the minus strand). VCF-style: chrX-32844800-C-A. GRCh37 (hg19) VCF-style: chrX-32862917-C-A.
Other names: c.223G>T, p.Val75Phe (NM_000109.4); c.235G>T, p.Val79Phe (NM_004009.3); c.-123G>T (NM_004010.3); short protein forms V79F, V75F, V83F.
Identifiers: ClinVar variation 2088265 (VCV002088265.4), dbSNP rs1358774744, ClinGen allele CA412674669.